The following is an entry in ClinVar:

ClinVar aggregate classification (germline): Uncertain significance (1 of 4 stars; one submission).

Conditions:
Inborn genetic diseases. Identifiers: MedGen C0950123, MeSH D030342.

Submission:

Ambry Genetics
Classification: Uncertain significance for Inborn genetic diseases. Last evaluated: 2022-06-20. Review status: criteria provided, single submitter. Criteria: Ambry Variant Classification Scheme 2023. Collection method: clinical testing. Allele origin: germline.
Comment: The p.N828T variant (also known as c.2483A>C), located in coding exon 19 of the LRRK2 gene, results from an A to C substitution at nucleotide position 2483. The asparagine at codon 828 is replaced by threonine, an amino acid with similar properties. This amino acid position is conserved. In addition, this alteration is predicted to be tolerated by in silico analysis. Since supporting evidence is limited at this time, the clinical significance of this alteration remains unclear.

NM_198578.4(LRRK2):c.2483A>C (p.Asn828Thr)

Gene: LRRK2 (leucine rich repeat kinase 2; plus strand). Cytogenetic location: 12q12.
Variant type: single nucleotide variant.
Coding change: c.2483A>C on transcript NM_198578.4 (MANE Select); coding-DNA position 2483, A replaced by C.
Protein change: p.Asn828Thr; replaces asparagine 828 with threonine.
Molecular consequence: missense variant.
Genome position (GRCh38, 1-based): chr12:40,284,116, A>C. VCF-style: chr12-40284116-A-C. GRCh37 (hg19) VCF-style: chr12-40677918-A-C.
Other names: short protein forms N828T.
Identifiers: ClinVar variation 1791949 (VCV001791949.2), dbSNP rs2499665508, ClinGen allele CA384407593.